The following is an entry in ClinVar:

ClinVar aggregate classification (germline): Uncertain significance (1 of 4 stars; one submission).

Submission:

Labcorp Genetics (formerly Invitae), Labcorp
Classification: Uncertain significance. Last evaluated: 2022-01-03. Review status: criteria provided, single submitter. Criteria: Invitae Variant Classification Sherloc (09022015). Collection method: clinical testing. Allele origin: germline.
Comment: This sequence change replaces aspartic acid, which is acidic and polar, with glutamic acid, which is acidic and polar, at codon 85 of the SYNE4 protein (p.Asp85Glu). This variant is not present in population databases (gnomAD no frequency). In summary, the available evidence is currently insufficient to determine the role of this variant in disease. Therefore, it has been classified as a Variant of Uncertain Significance. Algorithms developed to predict the effect of missense changes on protein structure and function output the following: SIFT: "Tolerated"; PolyPhen-2: "Benign"; Align-GVGD: "Class C0". The glutamic acid amino acid residue is found in multiple mammalian species, which suggests that this missense change does not adversely affect protein function. This variant has not been reported in the literature in individuals affected with SYNE4-related conditions.

NM_001039876.3(SYNE4):c.255C>G (p.Asp85Glu)

Gene: SYNE4 (spectrin repeat containing nuclear envelope family member 4; minus strand). Cytogenetic location: 19q13.12.
Variant type: single nucleotide variant.
Coding change: c.255C>G on transcript NM_001039876.3 (MANE Select); coding-DNA position 255, C replaced by G.
Protein change: p.Asp85Glu; replaces aspartic acid 85 with glutamic acid.
Molecular consequence: missense variant.
Genome position (GRCh38, 1-based): chr19:36,008,241, G>C on the plus strand (C>G on the coding strand, the complement: SYNE4 is on the minus strand). VCF-style: chr19-36008241-G-C. GRCh37 (hg19) VCF-style: chr19-36499143-G-C.
Other names: c.255C>G, p.Asp85Glu (NM_001297735.3); short protein forms D85E.
Identifiers: ClinVar variation 1907782 (VCV001907782.5), dbSNP rs1183216670, ClinGen allele CA405435721.